The following is an entry in ClinVar:

NM_001365088.1(SLC12A6):c.315A>G (p.Leu105=)

Gene: SLC12A6 (solute carrier family 12 member 6; minus strand). Cytogenetic location: 15q14.
Variant type: single nucleotide variant.
Coding change: c.315A>G on transcript NM_001365088.1 (MANE Select); coding-DNA position 315, A replaced by G.
Protein change: p.Leu105=; no amino-acid change (leucine 105 retained).
Molecular consequence: synonymous variant. On other transcripts: genic downstream transcript variant (1).
Genome position (GRCh38, 1-based): chr15:34,275,346, T>C on the plus strand (A>G on the coding strand, the complement: SLC12A6 is on the minus strand). VCF-style: chr15-34275346-T-C. GRCh37 (hg19) VCF-style: chr15-34567547-T-C.
Other names: c.138A>G, p.Leu46= (NM_001042494.2, NM_001042495.2); c.288A>G, p.Leu96= (NM_001042496.2); c.162A>G, p.Leu54= (NM_005135.2); c.315A>G, p.Leu105= (NM_133647.2); c.272-14326A>G (NM_001042497.2).
Identifiers: ClinVar variation 2909707 (VCV002909707.3), dbSNP rs774392413, ClinGen allele CA7464624.

ClinVar aggregate classification (germline): Uncertain significance (1 of 4 stars; one submission).

Allele frequency attached by ClinVar (database versions not stated): gnomAD exomes below 0.00001; TOPMed below 0.00001; ExAC 0.00001.
gnomAD v4.1: 2 of 1,492,680 alleles (0.00013%); highest among the groups gnomAD compares: Non-Finnish European, 0.00019%; no homozygotes.

Submission:

Labcorp Genetics (formerly Invitae), Labcorp
Classification: Uncertain significance. Last evaluated: 2023-09-06. Review status: criteria provided, single submitter. Criteria: Invitae Variant Classification Sherloc (09022015). Collection method: clinical testing. Allele origin: germline.
Comment: This variant has not been reported in the literature in individuals affected with SLC12A6-related conditions. Algorithms developed to predict the effect of sequence changes on RNA splicing suggest that this variant may disrupt the consensus splice site. In summary, the available evidence is currently insufficient to determine the role of this variant in disease. Therefore, it has been classified as a Variant of Uncertain Significance. This variant is present in population databases (rs774392413, gnomAD 0.0009%). This sequence change affects codon 105 of the SLC12A6 mRNA. It is a 'silent' change, meaning that it does not change the encoded amino acid sequence of the SLC12A6 protein. It affects a nucleotide within the consensus splice site.